The following is an entry in ClinVar:

ClinVar aggregate classification (germline): Likely benign. Review status: criteria provided, single submitter (1 of 4 stars). 2 submissions from 2 submitters: Likely benign (1). 1 of the submissions does not count toward it. Last evaluated 2025-12-14.

Conditions:
SDCCAG8-related disorder. Also called: SDCCAG8-related condition; SDCCAG8-Related Disorders.
Senior-Loken syndrome 7 (SLSN7). Identifiers: Orphanet 3156, MedGen C3150877, MONDO:0013326, OMIM 613615.
Bardet-Biedl syndrome 16 (BBS16). Identifiers: Orphanet 110, MedGen C3889474, MONDO:0014444, OMIM 615993.

Allele frequency attached by ClinVar (database versions not stated): gnomAD exomes 0.00004; ExAC 0.00006.
gnomAD v4.1: 31 of 1,614,080 alleles (0.0019%); highest among the groups gnomAD compares: East Asian, 0.013%; no homozygotes.

Submissions (2):

Labcorp Genetics (formerly Invitae), Labcorp
Classification: Likely benign for Bardet-Biedl syndrome 16; Senior-Loken syndrome 7. Last evaluated: 2025-12-14. Review status: criteria provided, single submitter. Criteria: Invitae Variant Classification Sherloc (09022015). Collection method: clinical testing. Allele origin: germline.

PreventionGenetics, part of Exact Sciences
Classification: Likely benign for SDCCAG8-related condition. Last evaluated: 2020-02-21. Review status: no assertion criteria provided. Collection method: clinical testing. Allele origin: germline. Not counted in ClinVar's aggregate classification.
Comment: This variant is classified as likely benign based on ACMG/AMP sequence variant interpretation guidelines (Richards et al. 2015 PMID: 25741868, with internal and published modifications).

NM_006642.5(SDCCAG8):c.963C>T (p.Ser321=)

Gene: SDCCAG8 (SHH signaling and ciliogenesis regulator SDCCAG8; plus strand). Cytogenetic location: 1q43.
Variant type: single nucleotide variant.
Coding change: c.963C>T on transcript NM_006642.5 (MANE Select); coding-DNA position 963, C replaced by T.
Protein change: p.Ser321=; no amino-acid change (serine 321 retained).
Molecular consequence: synonymous variant.
Genome position (GRCh38, 1-based): chr1:243,316,788, C>T. VCF-style: chr1-243316788-C-T. GRCh37 (hg19) VCF-style: chr1-243480090-C-T.
Other names: c.60C>T, p.Ser20= (NM_001350246.2, NM_001350247.2, NM_001350251.2); c.1059C>T, p.Ser353= (NM_001350248.2); c.669C>T, p.Ser223= (NM_001350249.2); c.963C>T (NM_006642.3).
Identifiers: ClinVar variation 1560106 (VCV001560106.9), dbSNP rs751551796, ClinGen allele CA1483503.